The following is an entry in ClinVar:

NM_001322934.2(NFKB2):c.1079C>T (p.Ser360Phe)

Gene: NFKB2 (nuclear factor kappa B subunit 2; plus strand). Cytogenetic location: 10q24.32.
Variant type: single nucleotide variant.
Coding change: c.1079C>T on transcript NM_001322934.2 (MANE Select); coding-DNA position 1079, C replaced by T.
Protein change: p.Ser360Phe; replaces serine 360 with phenylalanine.
Molecular consequence: missense variant. On other transcripts: intron variant (1).
Genome position (GRCh38, 1-based): chr10:102,398,826, C>T. VCF-style: chr10-102398826-C-T. GRCh37 (hg19) VCF-style: chr10-104158583-C-T.
Other names: c.1079C>T, p.Ser360Phe (NM_001261403.3, NM_001288724.1, NM_002502.6 and 2 more transcripts); c.991+303C>T (NM_001322935.1); short protein forms S360F.
Identifiers: ClinVar variation 2791003 (VCV002791003.3), dbSNP rs1335157235, ClinGen allele CA377898192.

ClinVar aggregate classification (germline): Uncertain significance (1 of 4 stars; one submission).

Conditions:
Immunodeficiency, common variable, 10. Also called: DEFICIT IN ANTERIOR PITUITARY FUNCTION AND VARIABLE IMMUNODEFICIENCY; IMMUNODEFICIENCY, COMMON VARIABLE, WITH CENTRAL ADRENAL INSUFFICIENCY. Identifiers: MedGen C3809991, MONDO:0014260, OMIM 615577.

Allele frequency attached by ClinVar (database versions not stated): TOPMed below 0.00001.

Submission:

Labcorp Genetics (formerly Invitae), Labcorp
Classification: Uncertain significance for Immunodeficiency, common variable, 10. Last evaluated: 2023-04-25. Review status: criteria provided, single submitter. Criteria: Invitae Variant Classification Sherloc (09022015). Collection method: clinical testing. Allele origin: germline.
Comment: This variant is not present in population databases (gnomAD no frequency). This sequence change replaces serine, which is neutral and polar, with phenylalanine, which is neutral and non-polar, at codon 360 of the NFKB2 protein (p.Ser360Phe). In summary, the available evidence is currently insufficient to determine the role of this variant in disease. Therefore, it has been classified as a Variant of Uncertain Significance. An algorithm developed to predict the effect of missense changes on protein structure and function (PolyPhen-2) suggests that this variant is likely to be disruptive. This variant has not been reported in the literature in individuals affected with NFKB2-related conditions.